The following is an entry in ClinVar:

NM_015205.3(ATP11A):c.*77T>C

Gene: ATP11A (ATPase phospholipid transporting 11A; plus strand). Cytogenetic location: 13q34.
Variant type: single nucleotide variant.
Coding change: c.*77T>C on transcript NM_015205.3 (MANE Select); 77 bases downstream of the stop codon, T replaced by C.
Molecular consequence: 3 prime UTR variant. On other transcripts: missense variant (3).
Genome position (GRCh38, 1-based): chr13:112,881,943, T>C. VCF-style: chr13-112881943-T-C. GRCh37 (hg19) VCF-style: chr13-113536257-T-C.
Other names: c.3458T>C, p.Leu1153Pro (NM_001405661.1); c.3395T>C, p.Leu1132Pro (NM_001405662.1); c.*79T>C (NM_001405663.1); c.3455T>C, p.Leu1152Pro (NM_032189.4); short protein forms L1132P, L1152P, L1153P.
Identifiers: ClinVar variation 2643970 (VCV002643970.24), dbSNP rs150131074, ClinGen allele CA7057662.
Genomic context (GRCh38, chr13:112,881,943, plus strand): 5'-GCTACCAGAGCACCTGTCCCTCGGCCGCCTGGTACAGCTCCCACTCTCAGCAGGTGACAC[T>C]CGCGGCCTGGAAGGAGAAGGTGTCCACGGAGCCCCCACCCATCCTCGGCGGTTCCCATCA-3'

ClinVar aggregate classification (germline): Benign (1 of 4 stars; one submission).

Allele frequency attached by ClinVar (database versions not stated): gnomAD exomes 0.00038; ExAC 0.00056; 1000 Genomes Project 0.00060; 1000 Genomes Project 30x 0.00062; ESP Exome Variant Server 0.00062; gnomAD 0.00074; TOPMed 0.00133.
gnomAD v4.1: 627 of 1,367,594 alleles (0.046%); highest among the groups gnomAD compares: Admixed American, 0.11%; 3 homozygotes.

Submission:

CeGaT Center for Human Genetics Tuebingen
Classification: Benign. Last evaluated: 2023-07-01. Review status: criteria provided, single submitter. Criteria: CeGaT Center For Human Genetics Tuebingen Variant Classification Criteria Version 2. Collection method: clinical testing. Allele origin: germline. Affected: yes. Observed: 1 variant allele.
Comment: ATP11A: BP4, BS1, BS2